The following is an entry in ClinVar:

ClinVar aggregate classification (germline): Uncertain significance (1 of 4 stars; one submission).

Conditions:
T-B+ severe combined immunodeficiency due to JAK3 deficiency. Also called: SCID, T CELL-NEGATIVE, B CELL-POSITIVE, NK CELL-NEGATIVE; SCID, autosomal recessive, T-negative/B-positive type. Identifiers: Orphanet 35078, MedGen C1833275, MONDO:0010938, OMIM 600802.

Submission:

Institute of Human Genetics, University of Leipzig Medical Center
Classification: Uncertain significance for T-B+ severe combined immunodeficiency due to JAK3 deficiency. Last evaluated: 2025-03-04. Review status: criteria provided, single submitter. Criteria: ACMG Guidelines, 2015. Collection method: clinical testing. Allele origin: inherited. Inheritance: Autosomal recessive inheritance. Affected: yes.
Comment: Criteria applied: PM3_SUP,PM2,PP4

NM_000215.4(JAK3):c.1547T>A (p.Ile516Asn)

Gene: JAK3 (Janus kinase 3; minus strand). Cytogenetic location: 19p13.11.
Variant type: single nucleotide variant.
Coding change: c.1547T>A on transcript NM_000215.4 (MANE Select); coding-DNA position 1547, T replaced by A.
Protein change: p.Ile516Asn; replaces isoleucine 516 with asparagine.
Molecular consequence: missense variant.
Genome position (GRCh38, 1-based): chr19:17,838,285, A>T on the plus strand (T>A on the coding strand, the complement: JAK3 is on the minus strand). VCF-style: chr19-17838285-A-T. GRCh37 (hg19) VCF-style: chr19-17949094-A-T.
Other names: short protein forms I516N.
Identifiers: ClinVar variation 976341 (VCV000976341.2), dbSNP rs2094229284, ClinGen allele CA404769810.